The following is an entry in ClinVar:

ClinVar aggregate classification (germline): Uncertain significance. Review status: criteria provided, multiple submitters, no conflicts (2 of 4 stars). 2 submissions from 2 submitters: Uncertain significance (2). Last evaluated 2024-04-08.

Conditions:
Tuberous sclerosis 2 (TSC2). Identifiers: Orphanet 805, MedGen C1860707, MONDO:0013199, OMIM 613254.
Lymphangiomyomatosis (LAM). Also called: Lymphangioleiomyomatosis, somatic; Lymphangioleiomyomatosis. Identifiers: Orphanet 538, MedGen C0751674, MONDO:0011705, OMIM 606690.
Isolated focal cortical dysplasia type II (FCORD2). Also called: CORTICAL DYSPLASIA OF TAYLOR; Focal cortical dysplasia type II. Identifiers: Orphanet 268994, MedGen C1846385, MONDO:0011818, OMIM 607341, HP:0032051.

Submissions (2):

Fulgent Genetics
Classification: Uncertain significance for Lymphangiomyomatosis; Isolated focal cortical dysplasia type II; Tuberous sclerosis 2. Last evaluated: 2024-04-08. Review status: criteria provided, single submitter. Criteria: ACMG Guidelines, 2015. Collection method: clinical testing. Allele origin: germline.

Labcorp Genetics (formerly Invitae), Labcorp
Classification: Uncertain significance for Tuberous sclerosis 2. Last evaluated: 2023-12-11. Review status: criteria provided, single submitter. Criteria: Invitae Variant Classification Sherloc (09022015). Collection method: clinical testing. Allele origin: germline.
Comment: This sequence change replaces proline, which is neutral and non-polar, with serine, which is neutral and polar, at codon 714 of the TSC2 protein (p.Pro714Ser). This variant is not present in population databases (gnomAD no frequency). This variant has not been reported in the literature in individuals affected with TSC2-related conditions. ClinVar contains an entry for this variant (Variation ID: 847324). Advanced modeling of protein sequence and biophysical properties (such as structural, functional, and spatial information, amino acid conservation, physicochemical variation, residue mobility, and thermodynamic stability) performed at Invitae indicates that this missense variant is not expected to disrupt TSC2 protein function with a negative predictive value of 95%. In summary, the available evidence is currently insufficient to determine the role of this variant in disease. Therefore, it has been classified as a Variant of Uncertain Significance.

NM_000548.5(TSC2):c.2140C>T (p.Pro714Ser)

Gene: TSC2 (TSC complex subunit 2; plus strand). Cytogenetic location: 16p13.3.
Variant type: single nucleotide variant.
Coding change: c.2140C>T on transcript NM_000548.5 (MANE Select); coding-DNA position 2140, C replaced by T.
Protein change: p.Pro714Ser; replaces proline 714 with serine.
Molecular consequence: missense variant.
Genome position (GRCh38, 1-based): chr16:2,072,283, C>T. VCF-style: chr16-2072283-C-T. GRCh37 (hg19) VCF-style: chr16-2122284-C-T.
Other names: c.2140C>T, p.Pro714Ser (NM_001077183.3, NM_001114382.3, NM_001363528.2 and 3 more transcripts); c.2029C>T, p.Pro677Ser (NM_001318827.2); c.1993C>T, p.Pro665Ser (NM_001318829.2); c.1540C>T, p.Pro514Ser (NM_001318831.2); c.2173C>T, p.Pro725Ser (NM_001318832.2); short protein forms P677S, P725S, P514S, P665S, P714S.
Identifiers: ClinVar variation 847324 (VCV000847324.10), dbSNP rs1596347240, ClinGen allele CA394274830.